The following is an entry in ClinVar:

NM_006892.4(DNMT3B):c.374G>A (p.Arg125Gln)

Gene: DNMT3B (DNA methyltransferase 3 beta; plus strand). Cytogenetic location: 20q11.21.
Variant type: single nucleotide variant.
Coding change: c.374G>A on transcript NM_006892.4 (MANE Select); coding-DNA position 374, G replaced by A.
Protein change: p.Arg125Gln; replaces arginine 125 with glutamine.
Molecular consequence: missense variant. On other transcripts: intron variant (2).
Genome position (GRCh38, 1-based): chr20:32,786,569, G>A. VCF-style: chr20-32786569-G-A. GRCh37 (hg19) VCF-style: chr20-31374375-G-A.
Other names: c.374G>A, p.Arg125Gln (NM_175848.2, NM_175849.2); c.410G>A, p.Arg137Gln (NM_175850.3); c.307-661G>A (NM_001207055.2); c.205-661G>A (NM_001207056.2); short protein forms R137Q, R125Q.
Identifiers: ClinVar variation 2196234 (VCV002196234.1), dbSNP rs1341617203, ClinGen allele CA408586291.
Genomic context (GRCh38, chr20:32,786,569, plus strand): 5'-CTCGAAATAACAACAGTGTCTCCAGCCGGGAGAGGCACAGGCCTTCCCCACGTTCCACCC[G>A]AGGCCGGCAGGGCCGCAACCATGTGGACGAGTCCCCCGTGGAGTTCCCGGCTACCAGGGT-3'
Protein context (NP_008823.1, residues 115-135): ERHRPSPRST[Arg125Gln]GRQGRNHVDE

ClinVar aggregate classification (germline): Uncertain significance (1 of 4 stars; one submission).

Conditions:
Centromeric instability of chromosomes 1,9 and 16 and immunodeficiency (ICF1). Also called: Immunodeficiency-centromeric instability-facial anomalies; CENTROMERIC INSTABILITY, IMMUNODEFICIENCY SYNDROME; IMMUNE DEFICIENCY, VARIABLE, WITH CENTROMERIC INSTABILITY OF CHROMOSOMES 1, 9, AND 16; IMMUNODEFICIENCY SYNDROME, VARIABLE. Identifiers: Orphanet 2268, MedGen C0398788, MONDO:0000133.

Allele frequency attached by ClinVar (database versions not stated): TOPMed below 0.00001; gnomAD 0.00001; gnomAD exomes 0.00002.
gnomAD v4.1: 32 of 1,613,838 alleles (0.002%); highest among the groups gnomAD compares: Non-Finnish European, 0.0025%; no homozygotes.

Submission:

Labcorp Genetics (formerly Invitae), Labcorp
Classification: Uncertain significance for Centromeric instability of chromosomes 1,9 and 16 and immunodeficiency. Last evaluated: 2022-02-02. Review status: criteria provided, single submitter. Criteria: Invitae Variant Classification Sherloc (09022015). Collection method: clinical testing. Allele origin: germline.
Comment: This sequence change replaces arginine, which is basic and polar, with glutamine, which is neutral and polar, at codon 125 of the DNMT3B protein (p.Arg125Gln). This variant is present in population databases (no rsID available, gnomAD 0.002%). This variant has not been reported in the literature in individuals affected with DNMT3B-related conditions. Algorithms developed to predict the effect of missense changes on protein structure and function (SIFT, PolyPhen-2, Align-GVGD) all suggest that this variant is likely to be tolerated. In summary, the available evidence is currently insufficient to determine the role of this variant in disease. Therefore, it has been classified as a Variant of Uncertain Significance.